The following is an entry in ClinVar:

NM_001039111.3(TRIM71):c.1526G>C (p.Gly509Ala)

Gene: TRIM71 (tripartite motif containing 71; plus strand). Cytogenetic location: 3p22.3.
Variant type: single nucleotide variant.
Coding change: c.1526G>C on transcript NM_001039111.3 (MANE Select); coding-DNA position 1526, G replaced by C.
Protein change: p.Gly509Ala; replaces glycine 509 with alanine.
Molecular consequence: missense variant.
Genome position (GRCh38, 1-based): chr3:32,890,730, G>C. VCF-style: chr3-32890730-G-C. GRCh37 (hg19) VCF-style: chr3-32932222-G-C.
Other names: short protein forms G509A.
Identifiers: ClinVar variation 4599309 (VCV004599309.1).
Genomic context (GRCh38, chr3:32,890,730, plus strand): 5'-CCACAGGCGATGGCCTCAAGCGTGCCCTCCAGGGTAAGGTGGCCTCCTTCACAGTCATTG[G>C]TTATGACCACGATGGTGAGCCCCGCCTCTCAGGAGGCGACCTGATGTCGGCTGTGGTCCT-3'
Protein context (NP_001034200.1, residues 499-519): QGKVASFTVI[Gly509Ala]YDHDGEPRLS

ClinVar aggregate classification (germline): Uncertain significance (1 of 4 stars; one submission).

gnomAD v4.1: 1 of 1,614,114 alleles (0.000062%); highest among the groups gnomAD compares: Admixed American, 0.0017%; no homozygotes.

Submission:

Ambry Genetics
Classification: Uncertain significance. Last evaluated: 2025-09-24. Review status: criteria provided, single submitter. Criteria: Ambry Variant Classification Scheme 2023. Collection method: clinical testing. Allele origin: germline.
Comment: The c.1526G>C (p.G509A) alteration is located in exon 4 (coding exon 4) of the TRIM71 gene. This alteration results from a G to C substitution at nucleotide position 1526, causing the glycine (G) at amino acid position 509 to be replaced by an alanine (A). Based on data from gnomAD, the C allele has an overall frequency of <0.001% (1/248724) total alleles studied. The highest observed frequency was 0.003% (1/34494) of Latino alleles. Based on insufficient or conflicting evidence, the clinical significance of this alteration remains unclear.